The following is an entry in ClinVar:

ClinVar aggregate classification (germline): Uncertain significance (1 of 4 stars; one submission).

Allele frequency attached by ClinVar (database versions not stated): gnomAD 0.00025 and 0.00023; TOPMed 0.00025; gnomAD exomes 0.00047 and 0.00021; ESP Exome Variant Server 0.00008; ExAC 0.00019.

Submission:

Labcorp Genetics (formerly Invitae), Labcorp
Classification: Uncertain significance. Last evaluated: 2026-01-20. Review status: criteria provided, single submitter. Criteria: Invitae Variant Classification Sherloc (09022015). Collection method: clinical testing. Allele origin: germline.
Comment: This sequence change replaces threonine, which is neutral and polar, with methionine, which is neutral and non-polar, at codon 193 of the PLTP protein (p.Thr193Met). This variant is present in population databases (rs376779317, gnomAD 0.04%). This variant has not been reported in the literature in individuals affected with PLTP-related conditions. ClinVar contains an entry for this variant (Variation ID: 1510368). An algorithm developed to predict the effect of missense changes on protein structure and function outputs the following: PolyPhen-2: "Benign". The methionine amino acid residue is found in multiple mammalian species, which suggests that this missense change does not adversely affect protein function. In summary, the available evidence is currently insufficient to determine the role of this variant in disease. Therefore, it has been classified as a Variant of Uncertain Significance.

NM_006227.4(PLTP):c.578C>T (p.Thr193Met)

Gene: PLTP (phospholipid transfer protein; minus strand). Cytogenetic location: 20q13.12.
Variant type: single nucleotide variant.
Coding change: c.578C>T on transcript NM_006227.4 (MANE Select); coding-DNA position 578, C replaced by T.
Protein change: p.Thr193Met; replaces threonine 193 with methionine.
Molecular consequence: missense variant.
Genome position (GRCh38, 1-based): chr20:45,907,727, G>A on the plus strand (C>T on the coding strand, the complement: PLTP is on the minus strand). VCF-style: chr20-45907727-G-A. GRCh37 (hg19) VCF-style: chr20-44536366-G-A.
Other names: c.293C>T, p.Thr98Met (NM_001242920.2); c.314C>T, p.Thr105Met (NM_001242921.1); c.422C>T, p.Thr141Met (NM_182676.3); short protein forms T141M, T193M, T98M, T105M.
Identifiers: ClinVar variation 1510368 (VCV001510368.8), dbSNP rs376779317, ClinGen allele CA9883808.